The following is an entry in ClinVar:

ClinVar aggregate classification (germline): Benign/Likely benign. Review status: criteria provided, multiple submitters, no conflicts (2 of 4 stars). 6 submissions from 6 submitters: Benign (2); Likely benign (2). 2 of the submissions do not count toward it. Last evaluated 2026-01-26.

Conditions:
KRT14-related disorder. Also called: KRT14-related condition.
Epidermolysis bullosa simplex 1D, generalized, intermediate or severe, autosomal recessive. Identifiers: Orphanet 89838, MedGen C3715082, MONDO:0010976, OMIM 601001.
Epidermolysis bullosa simplex, Koebner type. Identifiers: Orphanet 79399, MedGen C5561924, MONDO:0007554, OMIM 131900.
Epidermolysis bullosa simplex 1C, localized. Also called: EBS, ACRAL FORM; EPIDERMOLYSIS BULLOSA OF HANDS AND FEET; Localized epidermolysis bullosa simplex; Epidermolysis Bullosa Simplex, Weber-Cockayne Type; Weber-Cockayne Syndrome. Identifiers: Orphanet 79400, MedGen C0080333, MONDO:0007551, OMIM 131800.
Naegeli-Franceschetti-Jadassohn syndrome (NFJS). Also called: NFJ SYNDROME. Identifiers: Orphanet 69087, MedGen C0343111, MONDO:0008059, OMIM 161000.
Epidermolysis bullosa simplex 1A, generalized severe (EBS1A). Also called: Epidermolysis bullosa simplex Dowling-Meara type. Identifiers: Orphanet 79396, MedGen C0079295, MONDO:0007550, OMIM 131760.
Dermatopathia pigmentosa reticularis (DPR). Identifiers: Orphanet 86920, MedGen C0406778, MONDO:0007445, OMIM 125595.

Allele frequency attached by ClinVar (database versions not stated): ESP Exome Variant Server 0.00723; gnomAD exomes 0.01205 and 0.02139; gnomAD 0.01556 and 0.01612; TOPMed 0.01742; ExAC 0.01838; 1000 Genomes Project 0.02776; 1000 Genomes Project 30x 0.02858.
gnomAD v4.1: 20,094 of 1,613,478 alleles (1.2%); highest among the groups gnomAD compares: Admixed American, 6.4%; 354 homozygotes.

Submissions (6):

Labcorp Genetics (formerly Invitae), Labcorp
Classification: Likely benign. Last evaluated: 2026-01-26. Review status: criteria provided, single submitter. Criteria: Invitae Variant Classification Sherloc (09022015). Collection method: clinical testing. Allele origin: germline.

Fulgent Genetics
Classification: Benign for Dermatopathia pigmentosa reticularis; Epidermolysis bullosa simplex 1A, generalized severe; Epidermolysis bullosa simplex 1C, localized; Epidermolysis bullosa simplex, Koebner type; Naegeli-Franceschetti-Jadassohn syndrome; Epidermolysis bullosa simplex 1D, generalized, intermediate or severe, autosomal recessive. Last evaluated: 2022-01-17. Review status: criteria provided, single submitter. Criteria: ACMG Guidelines, 2015. Collection method: clinical testing. Allele origin: unknown.

GeneDx
Classification: Benign. Last evaluated: 2015-03-03. Review status: criteria provided, single submitter. Criteria: GeneDx Variant Classification Process June 2021. Collection method: clinical testing. Allele origin: germline. Affected: yes.
Comment: This variant is associated with the following publications: (PMID: 17034543, 20180888, 21593775, 21844930, 22832485, 12101866, 25017986, 26929861, 28561874, 28777847, 29784039, 32484238, 32884918)

Breakthrough Genomics
Classification: Likely benign. Review status: criteria provided, single submitter. Criteria: ACMG Guidelines, 2015. Collection method: not provided. Allele origin: germline. Inheritance: Autosomal recessive inheritance. Affected: yes.

PreventionGenetics, part of Exact Sciences
Classification: Benign for KRT14-related condition. Last evaluated: 2022-02-26. Review status: no assertion criteria provided. Collection method: clinical testing. Allele origin: germline. Not counted in ClinVar's aggregate classification.
Comment: This variant is classified as benign based on ACMG/AMP sequence variant interpretation guidelines (Richards et al. 2015 PMID: 25741868, with internal and published modifications).

Epithelial Biology;  Institute of Medical Biology, Singapore
No classification provided. Review status: no classification provided. Collection method: not provided. Allele origin: not provided. Not counted in ClinVar's aggregate classification.

NM_000526.5(KRT14):c.1237G>A (p.Ala413Thr)

Gene: KRT14 (keratin 14; minus strand). Cytogenetic location: 17q21.2.
Variant type: single nucleotide variant.
Coding change: c.1237G>A on transcript NM_000526.5 (MANE Select); coding-DNA position 1237, G replaced by A.
Protein change: p.Ala413Thr; replaces alanine 413 with threonine.
Molecular consequence: missense variant.
Genome position (GRCh38, 1-based): chr17:41,583,272, C>T on the plus strand (G>A on the coding strand, the complement: KRT14 is on the minus strand). VCF-style: chr17-41583272-C-T. GRCh37 (hg19) VCF-style: chr17-39739524-C-T.
Other names: short protein forms A413T.
Identifiers: ClinVar variation 66319 (VCV000066319.14), dbSNP rs59780231, ClinGen allele CA216856.